The following is an entry in ClinVar:

NM_020800.3(IFT80):c.1315del (p.Lys438_Ile439insTer)

Genes: IFT80 (intraflagellar transport 80; minus strand), TRIM59-IFT80 (TRIM59-IFT80 readthrough (NMD candidate); minus strand). Cytogenetic location: 3q25.33.
Variant type: Deletion.
Coding change: c.1315del on transcript NM_020800.3 (MANE Select); coding-DNA position 1315, one base deleted (A; older notation c.1315delA).
Protein change: p.Lys438_Ile439insTer.
Molecular consequence: nonsense. On other transcripts: non-coding transcript variant (3).
Genome position (GRCh38, 1-based): chr3:160,300,883, T deleted on the plus strand (A on the coding strand, the reverse complement: IFT80 is on the minus strand); the first of 6 consecutive T bases (chr3:160,300,883-160,300,888); deleting any one gives the same sequence. VCF-style (leftmost placement, unchanged base first): chr3-160300882-CT-C. GRCh37 (hg19) VCF-style: chr3-160018670-CT-C.
Other names: c.904del, p.Lys301_Ile302insTer (NM_001190241.2, NM_001190242.2).
Identifiers: ClinVar variation 1343891 (VCV001343891.2), dbSNP rs1453328017, ClinGen allele CA547381150.

ClinVar aggregate classification (germline): Uncertain significance (1 of 4 stars; one submission).

Submission:

GeneDx
Classification: Uncertain significance. Last evaluated: 2021-09-08. Review status: criteria provided, single submitter. Criteria: GeneDx Variant Classification Process June 2021. Collection method: clinical testing. Allele origin: germline. Affected: yes.
Comment: Nonsense variant predicted to result in protein truncation or nonsense mediated decay in a gene for which loss-of-function is a known mechanism of disease; Has not been previously published as pathogenic or benign to our knowledge